The following is an entry in ClinVar:

NM_000492.4(CFTR):c.3349A>G (p.Ile1117Val)

Genes: CFTR (CF transmembrane conductance regulator; plus strand), CFTR-AS2 (CFTR antisense RNA 2; minus strand), LOC111674472 (DNase I hypersensitive sites in introns 16 and 17a of CFTR; plus strand). Cytogenetic location: 7q31.2.
Variant type: single nucleotide variant.
Coding change: c.3349A>G on transcript NM_000492.4 (MANE Select); coding-DNA position 3349, A replaced by G.
Protein change: p.Ile1117Val; replaces isoleucine 1117 with valine.
Molecular consequence: missense variant.
Genome position (GRCh38, 1-based): chr7:117,611,790, A>G. VCF-style: chr7-117611790-A-G. GRCh37 (hg19) VCF-style: chr7-117251844-A-G.
Other names: short protein forms I1117V.
Identifiers: ClinVar variation 1730485 (VCV001730485.3), dbSNP rs2485130659, ClinGen allele CA368992600.
Genomic context (GRCh38, chr7:117,611,790, plus strand): 5'-CGCTGGTTCCAAATGAGAATAGAAATGATTTTTGTCATCTTCTTCATTGCTGTTACCTTC[A>G]TTTCCATTTTAACAACAGGTACTATGAACTCATTAACTTTAGCTAAGCATTTAAGTAAAA-3'
Protein context (NP_000483.3, residues 1107-1127): FVIFFIAVTF[Ile1117Val]SILTTGEGEG

ClinVar aggregate classification (germline): Uncertain significance (1 of 4 stars; one submission).

Conditions:
Cystic fibrosis (CF). Also called: MUCOVISCIDOSIS. Identifiers: Orphanet 586, MedGen C0010674, MONDO:0009061, OMIM 219700. Disease mechanism: loss of function.

Allele frequency attached by ClinVar (database versions not stated): gnomAD exomes below 0.00001.
gnomAD v4.1: 1 of 1,611,800 alleles (0.000062%); highest among the groups gnomAD compares: Non-Finnish European, 0.000085%; no homozygotes.

Submission:

Ambry Genetics
Classification: Uncertain significance for Cystic fibrosis. Last evaluated: 2024-07-11. Review status: criteria provided, single submitter. Criteria: Ambry Variant Classification Scheme 2023. Collection method: clinical testing. Allele origin: germline.
Comment: The p.I1117V variant (also known as c.3349A>G), located in coding exon 20 of the CFTR gene, results from an A to G substitution at nucleotide position 3349. The isoleucine at codon 1117 is replaced by valine, an amino acid with highly similar properties. This amino acid position is conserved. In addition, the in silico prediction for this alteration is inconclusive. Since supporting evidence is limited at this time, the clinical significance of this alteration remains unclear.